The following is an entry in ClinVar:

ClinVar aggregate classification (germline): Uncertain significance. Review status: criteria provided, multiple submitters, no conflicts (2 of 4 stars). 2 submissions from 2 submitters: Uncertain significance (2). Last evaluated 2022-11-07.

Conditions:
Hereditary cancer-predisposing syndrome. Also called: Neoplastic Syndromes, Hereditary; Hereditary Cancer Syndrome; Tumor predisposition; Hereditary neoplastic syndrome. Identifiers: Orphanet 140162, MedGen C0027672, MeSH D009386, MONDO:0015356.
Familial cancer of breast. Also called: Hereditary breast cancer; hereditary breast carcinoma; BREAST CANCER, FAMILIAL. Identifiers: Orphanet 227535, MedGen C0346153, MONDO:0016419, OMIM 114480. Disease mechanism: loss of function.

Submissions (2):

Color Diagnostics, LLC DBA Color Health
Classification: Uncertain significance for Hereditary cancer-predisposing syndrome. Last evaluated: 2022-11-07. Review status: criteria provided, single submitter. Criteria: ACMG Guidelines, 2015. Collection method: clinical testing. Allele origin: germline.
Comment: This missense variant replaces isoleucine with arginine at codon 850 of the PALB2 protein. Computational prediction suggests that this variant may not impact protein structure and function (internally defined REVEL score threshold <= 0.5, PMID: 27666373). To our knowledge, functional studies have not been reported for this variant. This variant has not been reported in individuals affected with PALB2-related disorders in the literature. This variant has not been identified in the general population by the Genome Aggregation Database (gnomAD). The available evidence is insufficient to determine the role of this variant in disease conclusively. Therefore, this variant is classified as a Variant of Uncertain Significance.

Labcorp Genetics (formerly Invitae), Labcorp
Classification: Uncertain significance for Familial cancer of breast. Last evaluated: 2019-12-03. Review status: criteria provided, single submitter. Criteria: Invitae Variant Classification Sherloc (09022015). Collection method: clinical testing. Allele origin: germline.
Comment: Algorithms developed to predict the effect of missense changes on protein structure and function are either unavailable or do not agree on the potential impact of this missense change (SIFT: "Deleterious"; PolyPhen-2: "Benign"; Align-GVGD: "Class C0"). This variant has not been reported in the literature in individuals with PALB2-related conditions. This variant is not present in population databases (ExAC no frequency). This sequence change replaces isoleucine with arginine at codon 850 of the PALB2 protein (p.Ile850Arg). The isoleucine residue is weakly conserved and there is a moderate physicochemical difference between isoleucine and arginine. Algorithms developed to predict the effect of sequence changes on RNA splicing suggest that this variant may create or strengthen a splice site, but this prediction has not been confirmed by published transcriptional studies. In summary, the available evidence is currently insufficient to determine the role of this variant in disease. Therefore, it has been classified as a Variant of Uncertain Significance.

NM_024675.4(PALB2):c.2549T>G (p.Ile850Arg)

Gene: PALB2 (partner and localizer of BRCA2; minus strand). Cytogenetic location: 16p12.2.
Variant type: single nucleotide variant.
Coding change: c.2549T>G on transcript NM_024675.4 (MANE Select); coding-DNA position 2549, T replaced by G.
Protein change: p.Ile850Arg; replaces isoleucine 850 with arginine.
Molecular consequence: missense variant.
Genome position (GRCh38, 1-based): chr16:23,629,241, A>C on the plus strand (T>G on the coding strand, the complement: PALB2 is on the minus strand). VCF-style: chr16-23629241-A-C. GRCh37 (hg19) VCF-style: chr16-23640562-A-C.
Other names: short protein forms I850R.
Identifiers: ClinVar variation 854740 (VCV000854740.12), dbSNP rs1966853918, ClinGen allele CA395123775.
Genomic context (GRCh38, chr16:23,629,241, plus strand): 5'-CTGGAAGAGAATATTCTTCTGACCTTTAACTCTGAAACCAATTGTAGGTTGCCTGGGTTT[A>C]TGCTATCAGAAGCAGGAAGCTCTGCTGTTTCAGTCTGTGAAAACAAAAGTCACATCATTA-3'
Protein context (NP_078951.2, residues 840-860): ETAELPASDS[Ile850Arg]NPGNLQLVSE